The following is an entry in ClinVar:

ClinVar aggregate classification (germline): Uncertain significance (1 of 4 stars; one submission).

Conditions:
Multiple endocrine neoplasia, type 1 (MEN1). Also called: MEN I; WERMER SYNDROME; Endocrine adenomatosis multiple; MEN 1; MEA I. Identifiers: Orphanet 652, MedGen C0025267, MeSH D018761, MONDO:0007540, OMIM 131100.

Allele frequency attached by ClinVar (database versions not stated): gnomAD exomes below 0.00001.
gnomAD v4.1: 1 of 1,614,114 alleles (0.000062%); highest among the groups gnomAD compares: East Asian, 0.0022%; no homozygotes.

Submission:

Labcorp Genetics (formerly Invitae), Labcorp
Classification: Uncertain significance for Multiple endocrine neoplasia, type 1. Last evaluated: 2016-09-09. Review status: criteria provided, single submitter. Criteria: Invitae Variant Classification Sherloc (09022015). Collection method: clinical testing. Allele origin: germline.
Comment: This sequence change replaces asparagine with aspartic acid at codon 212 of the MEN1 protein (p.Asn212Asp). The asparagine residue is moderately conserved and there is a small physicochemical difference between asparagine and aspartic acid. This variant is not present in population databases (ExAC no frequency) and has not been reported in the literature in individuals with a MEN1-related disease. Algorithms developed to predict the effect of missense changes on protein structure and function (SIFT, PolyPhen-2, Align-GVGD) all suggest that this variant is likely to be tolerated, but these predictions have not been confirmed by published functional studies. In summary, this variant is a novel missense change that is not predicted to affect protein function. There is no indication that it causes disease, but the available evidence is currently insufficient to prove that conclusively. Therefore, it has been classified as a Variant of Uncertain Significance.

NM_001370259.2(MEN1):c.634A>G (p.Asn212Asp)

Gene: MEN1 (menin 1; minus strand). Cytogenetic location: 11q13.1.
Variant type: single nucleotide variant.
Coding change: c.634A>G on transcript NM_001370259.2 (MANE Select); coding-DNA position 634, A replaced by G.
Protein change: p.Asn212Asp; replaces asparagine 212 with aspartic acid.
Molecular consequence: missense variant. On other transcripts: intron variant (2).
Genome position (GRCh38, 1-based): chr11:64,807,911, T>C on the plus strand (A>G on the coding strand, the complement: MEN1 is on the minus strand). VCF-style: chr11-64807911-T-C. GRCh37 (hg19) VCF-style: chr11-64575383-T-C.
Other names: c.649A>G, p.Asn217Asp (NM_000244.4, NM_130800.3, NM_130801.3 and 3 more transcripts); c.634A>G, p.Asn212Asp (NM_001370251.2, NM_001370260.2, NM_001370261.2 and 1 more transcripts); c.549+85A>G (NM_001370263.2, NM_001370262.2); short protein forms N212D, N217D.
Identifiers: ClinVar variation 403818 (VCV000403818.8), dbSNP rs1060499980, ClinGen allele CA16613421.
Genomic context (GRCh38, chr11:64,807,911, plus strand): 5'-ACAGTATGAAGGGGACAAGGCTGGGGGGAGGGAACAATACCCGCTCAGCCACACCGGCAT[T>C]GACTGTCTGGCCCCTGCGGTCCTCGTTGCCCTTGCCGTGCCAGGTGACCTCAGCTGTCTG-3'
Protein context (NP_001357188.2, residues 202-222): GNEDRRGQTV[Asn212Asp]AGVAERSWLY